The following is an entry in ClinVar:

ClinVar aggregate classification (germline): Uncertain significance. Review status: criteria provided, multiple submitters, no conflicts (2 of 4 stars). 2 submissions from 2 submitters: Uncertain significance (2). Last evaluated 2025-05-27.

Conditions:
Ataxia-telangiectasia syndrome (AT). Also called: LOUIS-BAR SYNDROME; Ataxia-telangiectasia; Cerebello-oculocutaneous telangiectasia; Immunodeficiency with ataxia telangiectasia; ATAXIA-TELANGIECTASIA, COMPLEMENTATION GROUP A; ATAXIA-TELANGIECTASIA, FRESNO VARIANT. Identifiers: Orphanet 100, MedGen C0004135, MONDO:0008840, OMIM 208900.
Hereditary cancer-predisposing syndrome. Also called: Neoplastic Syndromes, Hereditary; Tumor predisposition; Hereditary neoplastic syndrome; Hereditary Cancer Syndrome. Identifiers: Orphanet 140162, MedGen C0027672, MeSH D009386, MONDO:0015356.

Submissions (2):

Labcorp Genetics (formerly Invitae), Labcorp
Classification: Uncertain significance for Ataxia-telangiectasia syndrome. Last evaluated: 2025-05-27. Review status: criteria provided, single submitter. Criteria: Invitae Variant Classification Sherloc (09022015). Collection method: clinical testing. Allele origin: germline.
Comment: This sequence change replaces phenylalanine, which is neutral and non-polar, with leucine, which is neutral and non-polar, at codon 1025 of the ATM protein (p.Phe1025Leu). This variant is not present in population databases (gnomAD no frequency). This variant has not been reported in the literature in individuals affected with ATM-related conditions. ClinVar contains an entry for this variant (Variation ID: 1490080). Invitae Evidence Modeling of protein sequence and biophysical properties (such as structural, functional, and spatial information, amino acid conservation, physicochemical variation, residue mobility, and thermodynamic stability) has been performed for this missense variant. However, the output from this modeling did not meet the statistical confidence thresholds required to predict the impact of this variant on ATM protein function. In summary, the available evidence is currently insufficient to determine the role of this variant in disease. Therefore, it has been classified as a Variant of Uncertain Significance.

Ambry Genetics
Classification: Uncertain significance for Hereditary cancer-predisposing syndrome. Last evaluated: 2024-11-08. Review status: criteria provided, single submitter. Criteria: Ambry Variant Classification Scheme 2023. Collection method: clinical testing. Allele origin: germline.
Comment: The p.F1025L variant (also known as c.3073T>C), located in coding exon 19 of the ATM gene, results from a T to C substitution at nucleotide position 3073. The phenylalanine at codon 1025 is replaced by leucine, an amino acid with highly similar properties. This amino acid position is highly conserved in available vertebrate species. In addition, this alteration is predicted to be deleterious by in silico analysis. Based on the available evidence, the clinical significance of this variant remains unclear.

NM_000051.4(ATM):c.3073T>C (p.Phe1025Leu)

Gene: ATM (ATM serine/threonine kinase; plus strand). Cytogenetic location: 11q22.3.
Variant type: single nucleotide variant.
Coding change: c.3073T>C on transcript NM_000051.4 (MANE Select); coding-DNA position 3073, T replaced by C.
Protein change: p.Phe1025Leu; replaces phenylalanine 1025 with leucine.
Molecular consequence: missense variant.
Genome position (GRCh38, 1-based): chr11:108,271,402, T>C. VCF-style: chr11-108271402-T-C. GRCh37 (hg19) VCF-style: chr11-108142129-T-C.
Other names: c.3073T>C (NM_000051.3); c.3073T>C, p.Phe1025Leu (NM_001351834.2); short protein forms F1025L.
Identifiers: ClinVar variation 1490080 (VCV001490080.9), dbSNP rs2135554935, ClinGen allele CA382547696.